The following is an entry in ClinVar:

NM_001040108.2(MLH3):c.3608T>C (p.Leu1203Ser)

Gene: MLH3 (mutL homolog 3; minus strand). Cytogenetic location: 14q24.3.
Variant type: single nucleotide variant.
Coding change: c.3608T>C on transcript NM_001040108.2 (MANE Select); coding-DNA position 3608, T replaced by C.
Protein change: p.Leu1203Ser; replaces leucine 1203 with serine.
Molecular consequence: missense variant.
Genome position (GRCh38, 1-based): chr14:75,038,375, A>G on the plus strand (T>C on the coding strand, the complement: MLH3 is on the minus strand). VCF-style: chr14-75038375-A-G. GRCh37 (hg19) VCF-style: chr14-75505078-A-G.
Other names: c.3608T>C, p.Leu1203Ser (NM_014381.3); short protein forms L1203S.
Identifiers: ClinVar variation 649599 (VCV000649599.10), dbSNP rs761468610, ClinGen allele CA390427043.

ClinVar aggregate classification (germline): Uncertain significance. Review status: criteria provided, multiple submitters, no conflicts (2 of 4 stars). 2 submissions from 2 submitters: Uncertain significance (2). Last evaluated 2025-05-15.

Conditions:
Colorectal cancer, hereditary nonpolyposis, type 7. Identifiers: Orphanet 144, MedGen C1858380, MONDO:0013725, OMIM 614385.

gnomAD v4.1: 5 of 1,613,992 alleles (0.00031%); highest among the groups gnomAD compares: Non-Finnish European, 0.00042%; no homozygotes.

Submissions (2):

Labcorp Genetics (formerly Invitae), Labcorp
Classification: Uncertain significance for Colorectal cancer, hereditary nonpolyposis, type 7. Last evaluated: 2025-05-15. Review status: criteria provided, single submitter. Criteria: Invitae Variant Classification Sherloc (09022015). Collection method: clinical testing. Allele origin: germline.
Comment: This sequence change replaces leucine, which is neutral and non-polar, with serine, which is neutral and polar, at codon 1203 of the MLH3 protein (p.Leu1203Ser). This variant is not present in population databases (gnomAD no frequency). This variant has not been reported in the literature in individuals affected with MLH3-related conditions. ClinVar contains an entry for this variant (Variation ID: 649599). An algorithm developed to predict the effect of missense changes on protein structure and function (PolyPhen-2) suggests that this variant is likely to be disruptive. In summary, the available evidence is currently insufficient to determine the role of this variant in disease. Therefore, it has been classified as a Variant of Uncertain Significance.

Ambry Genetics
Classification: Uncertain significance. Last evaluated: 2023-04-24. Review status: criteria provided, single submitter. Criteria: Ambry Variant Classification Scheme 2023. Collection method: clinical testing. Allele origin: germline.
Comment: The p.L1203S variant (also known as c.3608T>C), located in coding exon 5 of the MLH3 gene, results from a T to C substitution at nucleotide position 3608. The leucine at codon 1203 is replaced by serine, an amino acid with dissimilar properties. This amino acid position is not well conserved in available vertebrate species. In addition, the in silico prediction for this alteration is inconclusive. The evidence for this gene-disease relationship is limited; therefore, the clinical significance of this alteration is unclear.